The following is an entry in ClinVar:

NM_001291867.2(NHS):c.1532G>T (p.Gly511Val)

Gene: NHS (NHS actin remodeling regulator; plus strand). Cytogenetic location: Xp22.13.
Variant type: single nucleotide variant.
Coding change: c.1532G>T on transcript NM_001291867.2 (MANE Select); coding-DNA position 1532, G replaced by T.
Protein change: p.Gly511Val; replaces glycine 511 with valine.
Molecular consequence: missense variant.
Genome position (GRCh38, 1-based): chrX:17,725,638, G>T. VCF-style: chrX-17725638-G-T. GRCh37 (hg19) VCF-style: chrX-17743758-G-T.
Other names: c.1001G>T, p.Gly334Val (NM_001136024.4); c.938G>T, p.Gly313Val (NM_001291868.2); c.1469G>T, p.Gly490Val (NM_198270.4); short protein forms G490V, G511V, G313V, G334V.
Identifiers: ClinVar variation 2799113 (VCV002799113.3), dbSNP rs2519934323, ClinGen allele CA412352048.

ClinVar aggregate classification (germline): Uncertain significance (1 of 4 stars; one submission).

Conditions:
Nance-Horan syndrome (NHS). Identifiers: Orphanet 627, MedGen C0796085, MONDO:0010545, OMIM 302350.

Allele frequency attached by ClinVar (database versions not stated): gnomAD exomes below 0.00001.
gnomAD v4.1: 1 of 1,211,622 alleles (0.000083%); highest among the groups gnomAD compares: Non-Finnish European, 0.00011%; no homozygotes.

Submission:

Labcorp Genetics (formerly Invitae), Labcorp
Classification: Uncertain significance for Nance-Horan syndrome. Last evaluated: 2023-06-19. Review status: criteria provided, single submitter. Criteria: Invitae Variant Classification Sherloc (09022015). Collection method: clinical testing. Allele origin: germline.
Comment: In summary, the available evidence is currently insufficient to determine the role of this variant in disease. Therefore, it has been classified as a Variant of Uncertain Significance. Advanced modeling of protein sequence and biophysical properties (such as structural, functional, and spatial information, amino acid conservation, physicochemical variation, residue mobility, and thermodynamic stability) performed at Invitae indicates that this missense variant is expected to disrupt NHS protein function. This variant has not been reported in the literature in individuals affected with NHS-related conditions. This variant is not present in population databases (gnomAD no frequency). This sequence change replaces glycine, which is neutral and non-polar, with valine, which is neutral and non-polar, at codon 490 of the NHS protein (p.Gly490Val).